The following is an entry in ClinVar:

ClinVar aggregate classification (germline): Uncertain significance. Review status: criteria provided, multiple submitters, no conflicts (2 of 4 stars). 3 submissions from 3 submitters: Uncertain significance (2). 1 of the submissions does not count toward it. Last evaluated 2024-02-16.

Conditions:
Polycystic kidney disease 4 (PKD4). Also called: POLYCYSTIC KIDNEY DISEASE 4 WITH OR WITHOUT POLYCYSTIC LIVER DISEASE; POLYCYSTIC KIDNEY AND HEPATIC DISEASE 1; POLYCYSTIC KIDNEY DISEASE, INFANTILE, TYPE I; Autosomal Recessive Polycystic Kidney Disease – PKHD1; PKD3. Identifiers: MedGen C4540575, MONDO:0033004, OMIM 263200.
Autosomal recessive polycystic kidney disease (ARPKD). Also called: AR polycystic kidney disease. Identifiers: Orphanet 731, Orphanet 8378, MedGen C0085548, MeSH D017044, MONDO:0009889.

Allele frequency attached by ClinVar (database versions not stated): ExAC 0.00001; gnomAD 0.00001; gnomAD exomes 0.00003; TOPMed 0.00003.
gnomAD v4.1: 50 of 1,612,898 alleles (0.0031%); highest among the groups gnomAD compares: East Asian, 0.0045%; no homozygotes.

Submissions (3):

Fulgent Genetics
Classification: Uncertain significance for Polycystic kidney disease 4. Last evaluated: 2024-02-16. Review status: criteria provided, single submitter. Criteria: ACMG Guidelines, 2015. Collection method: clinical testing. Allele origin: germline.

Labcorp Genetics (formerly Invitae), Labcorp
Classification: Uncertain significance for Autosomal recessive polycystic kidney disease. Last evaluated: 2021-08-26. Review status: criteria provided, single submitter. Criteria: Invitae Variant Classification Sherloc (09022015). Collection method: clinical testing. Allele origin: germline.
Comment: This sequence change replaces arginine with tryptophan at codon 2714 of the PKHD1 protein (p.Arg2714Trp). The arginine residue is weakly conserved and there is a moderate physicochemical difference between arginine and tryptophan. This variant is present in population databases (rs754533251, ExAC 0.002%). This variant has not been reported in the literature in individuals affected with PKHD1-related conditions. Algorithms developed to predict the effect of missense changes on protein structure and function output the following: SIFT: "Tolerated"; PolyPhen-2: "Benign"; Align-GVGD: "Class C0". The tryptophan amino acid residue is found in multiple mammalian species, which suggests that this missense change does not adversely affect protein function. In summary, the available evidence is currently insufficient to determine the role of this variant in disease. Therefore, it has been classified as a Variant of Uncertain Significance.

Natera, Inc.
Classification: Uncertain significance for Autosomal recessive polycystic kidney disease. Last evaluated: 2018-05-22. Review status: no assertion criteria provided. Collection method: clinical testing. Allele origin: germline. Not counted in ClinVar's aggregate classification.

NM_138694.4(PKHD1):c.8140C>T (p.Arg2714Trp)

Gene: PKHD1 (PKHD1 ciliary IPT domain containing fibrocystin/polyductin; minus strand). Cytogenetic location: 6p12.2.
Variant type: single nucleotide variant.
Coding change: c.8140C>T on transcript NM_138694.4 (MANE Select); coding-DNA position 8140, C replaced by T.
Protein change: p.Arg2714Trp; replaces arginine 2714 with tryptophan.
Molecular consequence: missense variant.
Genome position (GRCh38, 1-based): chr6:51,836,437, G>A on the plus strand (C>T on the coding strand, the complement: PKHD1 is on the minus strand). VCF-style: chr6-51836437-G-A. GRCh37 (hg19) VCF-style: chr6-51701235-G-A.
Other names: c.8140C>T, p.Arg2714Trp (NM_170724.3); short protein forms R2714W.
Identifiers: ClinVar variation 1005562 (VCV001005562.9), dbSNP rs754533251, ClinGen allele CA3851728.